The following is an entry in ClinVar:

ClinVar aggregate classification (germline): Benign. Review status: criteria provided, multiple submitters, no conflicts (2 of 4 stars). 2 submissions from 2 submitters: Benign (2). Last evaluated 2018-06-14.

Allele frequency attached by ClinVar (database versions not stated): 1000 Genomes Project 30x 0.86696; TOPMed 0.86893; 1000 Genomes Project 0.87081.
gnomAD v4.1: 1,032,067 of 1,103,864 alleles (93%); highest among the groups gnomAD compares: South Asian, 97%; 484,337 homozygotes.

Submissions (2):

GeneDx
Classification: Benign. Last evaluated: 2018-06-14. Review status: criteria provided, single submitter. Criteria: GeneDx Variant Classification (06012015). Collection method: clinical testing. Allele origin: germline. Affected: yes.
Comment: This variant is considered likely benign or benign based on one or more of the following criteria: it is a conservative change, it occurs at a poorly conserved position in the protein, it is predicted to be benign by multiple in silico algorithms, and/or has population frequency not consistent with disease.

Breakthrough Genomics
Classification: Benign. Review status: criteria provided, single submitter. Criteria: ACMG Guidelines, 2015. Collection method: not provided. Allele origin: germline. Inheritance: Autosomal recessive inheritance. Affected: yes.

NM_001077365.2(POMT1):c.987-113C>G

Gene: POMT1 (protein O-mannosyltransferase 1; plus strand). Cytogenetic location: 9q34.13.
Variant type: single nucleotide variant.
Coding change: c.987-113C>G on transcript NM_001077365.2 (MANE Select); 113 bases into the intron before coding-DNA position 987, C replaced by G.
Molecular consequence: intron variant.
Genome position (GRCh38, 1-based): chr9:131,511,928, C>G. VCF-style: chr9-131511928-C-G. GRCh37 (hg19) VCF-style: chr9-134387315-C-G.
Other names: c.891-113C>G (NM_001353198.2, NM_001353197.2); c.1053-113C>G (NM_001353193.2, NM_007171.4); c.987-113C>G (NM_001136113.2, NM_001374690.1); c.825-113C>G (NM_001353194.2, NM_001077366.2); c.636-113C>G (NM_001374691.1, NM_001353195.2, NM_001374692.1 and 1 more transcripts); c.897-113C>G (NM_001353196.2); c.597-113C>G (NM_001374695.1); c.975-113C>G (NM_001374689.1); and 3 more.
Identifiers: ClinVar variation 668005 (VCV000668005.2), dbSNP rs10901068, ClinGen allele CA13040140.